The following is an entry in ClinVar:

ClinVar aggregate classification (germline): Uncertain significance (1 of 4 stars; one submission).

Conditions:
TH-deficient dopa-responsive dystonia. Also called: Tyrosine Hydroxylase-Deficient Dopa-Responsive Dystonia; Segawa syndrome, autosomal recessive; DYT-TH. Identifiers: Orphanet 101150, MedGen C2673535, MONDO:0011551, OMIM 605407.

Allele frequency attached by ClinVar (database versions not stated): TOPMed below 0.00001; gnomAD exomes 0.00001.
gnomAD v4.1: 8 of 1,612,368 alleles (0.0005%); highest among the groups gnomAD compares: Non-Finnish European, 0.00068%; no homozygotes.

Submission:

Labcorp Genetics (formerly Invitae), Labcorp
Classification: Uncertain significance for TH-deficient dopa-responsive dystonia. Last evaluated: 2022-05-17. Review status: criteria provided, single submitter. Criteria: Invitae Variant Classification Sherloc (09022015). Collection method: clinical testing. Allele origin: germline.
Comment: In summary, the available evidence is currently insufficient to determine the role of this variant in disease. Therefore, it has been classified as a Variant of Uncertain Significance. Advanced modeling of protein sequence and biophysical properties (such as structural, functional, and spatial information, amino acid conservation, physicochemical variation, residue mobility, and thermodynamic stability) performed at Invitae indicates that this missense variant is expected to disrupt TH protein function. This variant has not been reported in the literature in individuals affected with TH-related conditions. This variant is not present in population databases (gnomAD no frequency). This sequence change replaces proline, which is neutral and non-polar, with serine, which is neutral and polar, at codon 445 of the TH protein (p.Pro445Ser).

NM_000360.4(TH):c.1240C>T (p.Pro414Ser)

Gene: TH (tyrosine hydroxylase; minus strand). Cytogenetic location: 11p15.5.
Variant type: single nucleotide variant.
Coding change: c.1240C>T on transcript NM_000360.4 (MANE Select); coding-DNA position 1240, C replaced by T.
Protein change: p.Pro414Ser; replaces proline 414 with serine.
Molecular consequence: missense variant.
Genome position (GRCh38, 1-based): chr11:2,165,326, G>A on the plus strand (C>T on the coding strand, the complement: TH is on the minus strand). VCF-style: chr11-2165326-G-A. GRCh37 (hg19) VCF-style: chr11-2186556-G-A.
Other names: c.1333C>T, p.Pro445Ser (NM_199292.3); c.1321C>T, p.Pro441Ser (NM_199293.3); short protein forms P414S, P445S, P441S.
Identifiers: ClinVar variation 1995625 (VCV001995625.5), dbSNP rs1846057550, ClinGen allele CA379125224.